The following is an entry in ClinVar:

NM_014484.5(MOCS3):c.470A>C (p.Tyr157Ser)

Gene: MOCS3 (molybdenum cofactor synthesis 3; plus strand). Cytogenetic location: 20q13.13.
Variant type: single nucleotide variant.
Coding change: c.470A>C on transcript NM_014484.5 (MANE Select); coding-DNA position 470, A replaced by C.
Protein change: p.Tyr157Ser; replaces tyrosine 157 with serine.
Molecular consequence: missense variant.
Genome position (GRCh38, 1-based): chr20:50,959,312, A>C. VCF-style: chr20-50959312-A-C. GRCh37 (hg19) VCF-style: chr20-49575849-A-C.
Other names: short protein forms Y157S.
Identifiers: ClinVar variation 2184941 (VCV002184941.4), dbSNP rs2515743687, ClinGen allele CA408983087.

ClinVar aggregate classification (germline): Uncertain significance (1 of 4 stars; one submission).

Submission:

Labcorp Genetics (formerly Invitae), Labcorp
Classification: Uncertain significance. Last evaluated: 2023-08-17. Review status: criteria provided, single submitter. Criteria: Invitae Variant Classification Sherloc (09022015). Collection method: clinical testing. Allele origin: germline.
Comment: In summary, the available evidence is currently insufficient to determine the role of this variant in disease. Therefore, it has been classified as a Variant of Uncertain Significance. An algorithm developed to predict the effect of missense changes on protein structure and function (PolyPhen-2) suggests that this variant is likely to be disruptive. ClinVar contains an entry for this variant (Variation ID: 2184941). This variant has not been reported in the literature in individuals affected with MOCS3-related conditions. This variant is not present in population databases (gnomAD no frequency). This sequence change replaces tyrosine, which is neutral and polar, with serine, which is neutral and polar, at codon 157 of the MOCS3 protein (p.Tyr157Ser).